The following is an entry in ClinVar:

NM_001563.4(IMPG1):c.645C>T (p.Asn215=)

Gene: IMPG1 (interphotoreceptor matrix proteoglycan 1; minus strand). Cytogenetic location: 6q14.1.
Variant type: single nucleotide variant.
Coding change: c.645C>T on transcript NM_001563.4 (MANE Select); coding-DNA position 645, C replaced by T.
Protein change: p.Asn215=; no amino-acid change (asparagine 215 retained).
Molecular consequence: synonymous variant.
Genome position (GRCh38, 1-based): chr6:76,022,137, G>A on the plus strand (C>T on the coding strand, the complement: IMPG1 is on the minus strand). VCF-style: chr6-76022137-G-A. GRCh37 (hg19) VCF-style: chr6-76731854-G-A.
Other names: c.411C>T, p.Asn137= (NM_001282368.2).
Identifiers: ClinVar variation 1166653 (VCV001166653.40), dbSNP rs41269331, ClinGen allele CA3898408.
Genomic context (GRCh38, chr6:76,022,137, plus strand): 5'-GGCACATGAAGAGCTAGATCAACTCTAGGAACTTCTTACTGTTGTAGGCATCTTGGTGTC[G>A]TTGAGTGTATTATCGAGAATTTCATTGAGGAGGGTGTCATCAGGAGTGAGAGGGAAAGGC-3'
Protein context (NP_001554.2, residues 205-225): LLNEILDNTL[Asn215=]DTKMPTTERE

ClinVar aggregate classification (germline): Benign/Likely benign. Review status: criteria provided, multiple submitters, no conflicts (2 of 4 stars). 5 submissions from 5 submitters: Benign (1); Likely benign (2). 2 of the submissions do not count toward it. Last evaluated 2026-02-01.

Allele frequency attached by ClinVar (database versions not stated): 1000 Genomes Project 0.00180; 1000 Genomes Project 30x 0.00203; ESP Exome Variant Server 0.00454; gnomAD 0.00491 and 0.00513; TOPMed 0.00504.
gnomAD v4.1: 10,945 of 1,584,824 alleles (0.69%); highest among the groups gnomAD compares: Non-Finnish European, 0.84%; 59 homozygotes.

Submissions (5):

Labcorp Genetics (formerly Invitae), Labcorp
Classification: Benign. Last evaluated: 2026-02-01. Review status: criteria provided, single submitter. Criteria: Invitae Variant Classification Sherloc (09022015). Collection method: clinical testing. Allele origin: germline.

CeGaT Center for Human Genetics Tuebingen
Classification: Likely benign. Last evaluated: 2025-10-01. Review status: criteria provided, single submitter. Criteria: CeGaT Center For Human Genetics Tuebingen Variant Classification Criteria Version 2. Collection method: clinical testing. Allele origin: germline. Affected: yes. Observed: 5 variant alleles.
Comment: IMPG1: BP4, BP7, BS2

Blueprint Genetics
Classification: Likely benign. Last evaluated: 2024-11-26. Review status: criteria provided, single submitter. Criteria: ACMG Guidelines, 2015. Collection method: clinical testing. Allele origin: germline.

Clinical Genetics DNA and cytogenetics Diagnostics Lab, Erasmus MC, Erasmus Medical Center
Classification: Likely benign. Review status: no assertion criteria provided. Collection method: clinical testing. Allele origin: germline. Affected: yes. Study: VKGL Data-share Consensus. Not counted in ClinVar's aggregate classification.

Clinical Genetics, Academic Medical Center
Classification: Benign. Review status: no assertion criteria provided. Collection method: clinical testing. Allele origin: germline. Affected: yes. Study: VKGL Data-share Consensus. Not counted in ClinVar's aggregate classification.